The following is an entry in ClinVar:

NM_002397.5(MEF2C):c.120_125dup (p.Asp40_Cys41dup)

Gene: MEF2C (myocyte enhancer factor 2C; minus strand). Cytogenetic location: 5q14.3.
Variant type: Duplication.
Coding change: c.120_125dup on transcript NM_002397.5 (MANE Select); coding-DNA positions 120 to 125, 6 bases duplicated (CTGTGA; older notation c.120_125dupCTGTGA).
Protein change: p.Asp40_Cys41dup.
Molecular consequence: inframe insertion.
Genome position (GRCh38, 1-based): chr5:88,804,731-88,804,736, TCACAG duplicated on the plus strand (CTGTGA on the coding strand, the reverse complement: MEF2C is on the minus strand); duplicating any 6 consecutive bases within chr5:88,804,731-88,804,741 gives the same sequence; the c. name uses the placement nearest the transcript's 3' end. VCF-style (leftmost placement, unchanged base first): chr5-88804730-C-CTCACAG. GRCh37 (hg19) VCF-style: chr5-88100547-C-CTCACAG.
Other names: c.120_125dup, p.Asp40_Cys41dup (NM_001131005.2, NM_001193347.1, NM_001193348.1 and 29 more transcripts).
Identifiers: ClinVar variation 206133 (VCV000206133.1), dbSNP rs796052732, ClinGen allele CA315928.

ClinVar aggregate classification (germline): Uncertain significance (1 of 4 stars; one submission).

Submission:

GeneDx
Classification: Uncertain significance. Last evaluated: 2014-03-18. Review status: criteria provided, single submitter. Criteria: GeneDx Variant Classification (06012015). Collection method: clinical testing. Allele origin: germline. Affected: yes.
Comment: c.120_125dupCTGTGA: p.Asp40_Cys41dup (p.D40_C41dup) in exon 3 in the MEF2C gene (NM_002397.3). The normal sequence with the bases that are duplicated in braces is: GTGA{CTGTGA}GATTG. The c.120_125dupCTGTGA variant in the MEF2C gene has not been reported previously as a disease-causing mutation nor as a benign polymorphism, to our knowledge. The c.120_125dupCTGTGA variant causes an in-frame duplication of two amino acids, Aspartic acid 40 and Cysteine 41, denoted p.Asp40_Cys41dup. This duplication is located in the protein's MADS-box domain, a region that is well-conserved across species. The c.120_125dupCTGTGA mutation was not observed in approximately 6,500 individuals of European and African American ancestry in the NHLBI Exome Sequencing Project, indicating it is not a common benign variant in these populations. We interpret c.120_125dupCTGTGA as a variant of unknown significance. This variant is found in EPILEPSY panel(s).